The following is an entry in ClinVar:

ClinVar aggregate classification (germline): Pathogenic (1 of 4 stars; one submission).

Conditions:
Familial cancer of breast. Also called: BREAST CANCER, FAMILIAL; Hereditary breast cancer; hereditary breast carcinoma. Identifiers: Orphanet 227535, MedGen C0346153, MONDO:0016419, OMIM 114480. Disease mechanism: loss of function.

Submission:

Labcorp Genetics (formerly Invitae), Labcorp
Classification: Pathogenic for Familial cancer of breast. Last evaluated: 2023-06-26. Review status: criteria provided, single submitter. Criteria: Invitae Variant Classification Sherloc (09022015). Collection method: clinical testing. Allele origin: germline.
Comment: For these reasons, this variant has been classified as Pathogenic. This variant has not been reported in the literature in individuals affected with CHEK2-related conditions. This variant is a gross deletion of the genomic region encompassing exon(s) 9-13 of the CHEK2 gene. This deletion is out-of-frame, and is expected to create a premature termination codon and result in an absent or disrupted protein product. Loss-of-function variants in CHEK2 are known to be pathogenic (PMID: 21876083, 24713400).

Literature cited by the submitters: PubMed 21876083; PubMed 24713400.

NC_000022.11:g.(?_28694022)_(28699947_?)del

Gene: CHEK2 (checkpoint kinase 2; minus strand). Cytogenetic location: 22q12.1.
Variant type: Deletion.
Identifiers: ClinVar variation 832189 (VCV000832189.7).